The following is an entry in ClinVar:

ClinVar aggregate classification (germline): Uncertain significance (1 of 4 stars; one submission).

Submission:

Labcorp Genetics (formerly Invitae), Labcorp
Classification: Uncertain significance. Last evaluated: 2026-01-04. Review status: criteria provided, single submitter. Criteria: Invitae Variant Classification Sherloc (09022015). Collection method: clinical testing. Allele origin: germline.
Comment: This sequence change replaces valine, which is neutral and non-polar, with leucine, which is neutral and non-polar, at codon 276 of the NCSTN protein (p.Val276Leu). This variant is not present in population databases (gnomAD no frequency). This variant has not been reported in the literature in individuals affected with NCSTN-related conditions. Invitae Evidence Modeling of protein sequence and biophysical properties (such as structural, functional, and spatial information, amino acid conservation, physicochemical variation, residue mobility, and thermodynamic stability) indicates that this missense variant is not expected to disrupt NCSTN protein function with a negative predictive value of 80%. In summary, the available evidence is currently insufficient to determine the role of this variant in disease. Therefore, it has been classified as a Variant of Uncertain Significance.

NM_015331.3(NCSTN):c.826G>C (p.Val276Leu)

Gene: NCSTN (nicastrin; plus strand). Cytogenetic location: 1q23.2.
Variant type: single nucleotide variant.
Coding change: c.826G>C on transcript NM_015331.3 (MANE Select); coding-DNA position 826, G replaced by C.
Protein change: p.Val276Leu; replaces valine 276 with leucine.
Molecular consequence: missense variant. On other transcripts: intron variant (1).
Genome position (GRCh38, 1-based): chr1:160,351,788, G>C. VCF-style: chr1-160351788-G-C. GRCh37 (hg19) VCF-style: chr1-160321578-G-C.
Other names: c.766G>C, p.Val256Leu (NM_001290184.2); c.826G>C, p.Val276Leu (NM_001349729.2); c.583-1099G>C (NM_001290186.2); short protein forms V256L, V276L.
Identifiers: ClinVar variation 4743577 (VCV004743577.1).